The following is an entry in ClinVar:

NM_001165963.4(SCN1A):c.2068A>T (p.Arg690Ter)

Gene: SCN1A (sodium voltage-gated channel alpha subunit 1; minus strand). Cytogenetic location: 2q24.3.
Variant type: single nucleotide variant.
Coding change: c.2068A>T on transcript NM_001165963.4 (MANE Select); coding-DNA position 2068, A replaced by T.
Protein change: p.Arg690Ter; replaces arginine 690 with a stop codon.
Molecular consequence: nonsense. On other transcripts: 5 prime UTR variant (1), non-coding transcript variant (1).
Genome position (GRCh38, 1-based): chr2:166,042,400, T>A on the plus strand (A>T on the coding strand, the complement: SCN1A is on the minus strand). VCF-style: chr2-166042400-T-A. GRCh37 (hg19) VCF-style: chr2-166898910-T-A.
Other names: c.2032A>T, p.Arg678Ter (NM_001353954.2, NM_001353955.2); c.1984A>T, p.Arg662Ter (NM_001353957.2, NM_001353958.2, NM_001165964.3); c.1981A>T, p.Arg661Ter (NM_001353960.2); c.-391A>T (NM_001353961.2); c.2035A>T, p.Arg679Ter (NM_006920.6, NM_001353949.2, NM_001353950.2 and 2 more transcripts); c.2068A>T, p.Arg690Ter (NM_001202435.3, NM_001353948.2); short protein forms R661*, R662*, R678*, R679*, R690*.
Identifiers: ClinVar variation 4888236 (VCV004888236.1).

ClinVar aggregate classification (germline): Likely pathogenic (1 of 4 stars; one submission).

Conditions:
Severe myoclonic epilepsy in infancy (DRVT). Also called: DEVELOPMENTAL AND EPILEPTIC ENCEPHALOPATHY 6A; Epileptic encephalopathy, early infantile, 6 (Dravet syndrome); Severe Myoclonic Epilepsy in Infancy (SMEI); Dravet syndrome; SEVERE MYOCLONIC EPILEPSY OF INFANCY. Identifiers: Orphanet 33069, MedGen C0751122, MONDO:0100135, OMIM 607208.

Submission:

Genelabs Medical  (pvt) Ltd
Classification: Likely pathogenic for Severe myoclonic epilepsy in infancy. Last evaluated: 2026-08-03. Review status: criteria provided, single submitter. Criteria: ACMG Guidelines, 2015. Collection method: clinical testing. Allele origin: germline. Inheritance: Autosomal dominant inheritance. Affected: yes. Observed: 1 heterozygote.
Comment: The nonsense variant NM_001165963.4(SCN1A):c.2068A>T (p.Arg690Ter) is absent from population databases, supporting its rarity. This single-nucleotide substitution introduces a premature stop codon at amino acid 690, predicted to undergo nonsense-mediated decay (NMD) as it occurs in exon 15 of 29, likely resulting in loss of normal SCN1A protein function. SCN1A has definitive gene-disease associations with Dravet syndrome, genetic developmental and epileptic encephalopathy (DEE), generalized epilepsy with febrile seizures plus (GEFS+), and familial hemiplegic migraine, as curated by ClinGen. For Dravet syndrome and GEFS+, loss-of-function variants are a well-established disease mechanism. Over 990 pathogenic or likely pathogenic loss-of-function variants have been reported in SCN1A, including more than 600 downstream truncating variants, supporting intolerance to protein truncation. Based on the cumulative evidence, this variant is classified as Likely Pathogenic. (PVS1, PM2_Supporting)